The following is an entry in ClinVar:

NM_003718.5(CDK13):c.657G>A (p.Arg219=)

Gene: CDK13 (cyclin dependent kinase 13; plus strand). Cytogenetic location: 7p14.1.
Variant type: single nucleotide variant.
Coding change: c.657G>A on transcript NM_003718.5 (MANE Select); coding-DNA position 657, G replaced by A.
Protein change: p.Arg219=; no amino-acid change (arginine 219 retained).
Molecular consequence: synonymous variant.
Genome position (GRCh38, 1-based): chr7:39,951,298, G>A. VCF-style: chr7-39951298-G-A. GRCh37 (hg19) VCF-style: chr7-39990897-G-A.
Other names: c.657G>A, p.Arg219= (NM_031267.4).
Identifiers: ClinVar variation 2416441 (VCV002416441.25), dbSNP rs958364262, ClinGen allele CA157707194.

ClinVar aggregate classification (germline): Likely benign. Review status: criteria provided, multiple submitters, no conflicts (2 of 4 stars). 3 submissions from 3 submitters: Likely benign (3). Last evaluated 2026-09-01.

Allele frequency attached by ClinVar (database versions not stated): TOPMed 0.00011; 1000 Genomes Project 30x 0.00031; gnomAD 0.00033.
gnomAD v4.1: 150 of 1,370,646 alleles (0.011%); highest among the groups gnomAD compares: Middle Eastern, 0.026%; no homozygotes.

Submissions (3):

CeGaT Center for Human Genetics Tuebingen
Classification: Likely benign. Last evaluated: 2026-09-01. Review status: criteria provided, single submitter. Criteria: CeGaT Center For Human Genetics Tuebingen Variant Classification Criteria Version 2. Collection method: clinical testing. Allele origin: germline. Affected: yes. Observed: 3 variant alleles.
Comment: CDK13: BP4, BP7

Blueprint Genetics
Classification: Likely benign. Last evaluated: 2024-11-27. Review status: criteria provided, single submitter. Criteria: ACMG Guidelines, 2015. Collection method: clinical testing. Allele origin: germline.

Labcorp Genetics (formerly Invitae), Labcorp
Classification: Likely benign. Last evaluated: 2024-10-17. Review status: criteria provided, single submitter. Criteria: Invitae Variant Classification Sherloc (09022015). Collection method: clinical testing. Allele origin: germline.